The following is an entry in ClinVar:

NM_006662.3(SRCAP):c.278A>C (p.His93Pro)

Gene: SRCAP (Snf2 related CREBBP activator protein; plus strand). Cytogenetic location: 16p11.2.
Variant type: single nucleotide variant.
Coding change: c.278A>C on transcript NM_006662.3 (MANE Select); coding-DNA position 278, A replaced by C.
Protein change: p.His93Pro; replaces histidine 93 with proline.
Molecular consequence: missense variant.
Genome position (GRCh38, 1-based): chr16:30,704,287, A>C. VCF-style: chr16-30704287-A-C. GRCh37 (hg19) VCF-style: chr16-30715608-A-C.
Other names: short protein forms H93P.
Identifiers: ClinVar variation 2729835 (VCV002729835.3), dbSNP rs555507140, ClinGen allele CA395597411.

ClinVar aggregate classification (germline): Uncertain significance (1 of 4 stars; one submission).

Submission:

Labcorp Genetics (formerly Invitae), Labcorp
Classification: Uncertain significance. Last evaluated: 2024-04-18. Review status: criteria provided, single submitter. Criteria: Invitae Variant Classification Sherloc (09022015). Collection method: clinical testing. Allele origin: germline.
Comment: This sequence change replaces histidine, which is basic and polar, with proline, which is neutral and non-polar, at codon 93 of the SRCAP protein (p.His93Pro). This variant is not present in population databases (gnomAD no frequency). This variant has not been reported in the literature in individuals affected with SRCAP-related conditions. Advanced modeling of protein sequence and biophysical properties (such as structural, functional, and spatial information, amino acid conservation, physicochemical variation, residue mobility, and thermodynamic stability) performed at Invitae indicates that this missense variant is not expected to disrupt SRCAP protein function with a negative predictive value of 80%. In summary, the available evidence is currently insufficient to determine the role of this variant in disease. Therefore, it has been classified as a Variant of Uncertain Significance.